The following is an entry in ClinVar:

ClinVar aggregate classification (germline): Likely benign. Review status: criteria provided, multiple submitters, no conflicts (2 of 4 stars). 3 submissions from 3 submitters: Likely benign (3). Last evaluated 2026-02-01.

Conditions:
IGHMBP2-related disorder. Also called: IGHMBP2-related condition; IGHMBP2-related disorders.
Autosomal recessive distal spinal muscular atrophy 1. Also called: HMN VI; NEURONOPATHY, DISTAL HEREDITARY MOTOR, HARDING TYPE VI; NEUROPATHY, DISTAL HEREDITARY MOTOR, AUTOSOMAL RECESSIVE 1; Spinal muscular atrophy with respiratory distress 1; NEURONOPATHY, SEVERE INFANTILE AXONAL, WITH RESPIRATORY FAILURE; SEVERE INFANTILE AXONAL NEUROPATHY WITH RESPIRATORY FAILURE. Identifiers: Orphanet 98920, MedGen C1858517, MONDO:0011436, OMIM 604320.
Charcot-Marie-Tooth disease axonal type 2S. Also called: CHARCOT-MARIE-TOOTH DISEASE, AXONAL, AUTOSOMAL RECESSIVE, TYPE 2S; CHARCOT-MARIE-TOOTH NEUROPATHY, TYPE 2S. Identifiers: Orphanet 443073, MedGen C4015349, MONDO:0014511, OMIM 616155.

Allele frequency attached by ClinVar (database versions not stated): gnomAD 0.00003; gnomAD exomes 0.00003 and 0.00012; TOPMed 0.00003; ExAC 0.00012.

Submissions (3):

Labcorp Genetics (formerly Invitae), Labcorp
Classification: Likely benign for Autosomal recessive distal spinal muscular atrophy 1; Charcot-Marie-Tooth disease axonal type 2S. Last evaluated: 2026-02-01. Review status: criteria provided, single submitter. Criteria: Invitae Variant Classification Sherloc (09022015). Collection method: clinical testing. Allele origin: germline.

PreventionGenetics, part of Exact Sciences
Classification: Likely benign for IGHMBP2-related condition. Last evaluated: 2025-08-29. Review status: criteria provided, single submitter. Criteria: ACMG Guidelines, 2015. Collection method: clinical testing. Allele origin: germline.
Comment: This variant is classified as likely benign based on ACMG/AMP sequence variant interpretation guidelines (Richards et al. 2015 PMID: 25741868, with internal and published modifications).

CeGaT Center for Human Genetics Tuebingen
Classification: Likely benign. Last evaluated: 2023-05-01. Review status: criteria provided, single submitter. Criteria: CeGaT Center For Human Genetics Tuebingen Variant Classification Criteria Version 2. Collection method: clinical testing. Allele origin: germline. Affected: yes. Observed: 1 variant allele.
Comment: IGHMBP2: BP4, BP7

NM_002180.3(IGHMBP2):c.1902G>A (p.Gly634=)

Gene: IGHMBP2 (immunoglobulin mu DNA binding protein 2; plus strand). Cytogenetic location: 11q13.3.
Variant type: single nucleotide variant.
Coding change: c.1902G>A on transcript NM_002180.3 (MANE Select); coding-DNA position 1902, G replaced by A.
Protein change: p.Gly634=; no amino-acid change (glycine 634 retained).
Molecular consequence: synonymous variant.
Genome position (GRCh38, 1-based): chr11:68,936,382, G>A. VCF-style: chr11-68936382-G-A. GRCh37 (hg19) VCF-style: chr11-68703850-G-A.
Other names: c.1902G>A (NM_002180.2).
Identifiers: ClinVar variation 1148241 (VCV001148241.34), dbSNP rs748530497, ClinGen allele CA6153800.